The following is an entry in ClinVar:

ClinVar aggregate classification (germline): Uncertain significance. Review status: criteria provided, multiple submitters, no conflicts (2 of 4 stars). 2 submissions from 2 submitters: Uncertain significance (2). Last evaluated 2025-08-04.

Conditions:
GLUT1 deficiency syndrome 1, autosomal recessive. Identifiers: MedGen C3149117.
SLC2A1-related disorder. Also called: SLC2A1-related condition; SLC2A1-related disorders.

Allele frequency attached by ClinVar (database versions not stated): gnomAD exomes below 0.00001; gnomAD 0.00001; TOPMed 0.00002.
gnomAD v4.1: 4 of 1,613,988 alleles (0.00025%); highest among the groups gnomAD compares: African/African-American, 0.0053%; no homozygotes.

Submissions (2):

PreventionGenetics, part of Exact Sciences
Classification: Uncertain significance for SLC2A1-related condition. Last evaluated: 2025-08-04. Review status: criteria provided, single submitter. Criteria: ACMG Guidelines, 2015. Collection method: clinical testing. Allele origin: germline.
Comment: The SLC2A1 c.1303A>G variant is predicted to result in the amino acid substitution p.Ile435Val. To our knowledge, this variant has not been reported in the literature. This variant is reported in 0.0062% of alleles in individuals of African descent in gnomAD. At this time, the clinical significance of this variant is uncertain due to the absence of conclusive functional and genetic evidence.

Labcorp Genetics (formerly Invitae), Labcorp
Classification: Uncertain significance for GLUT1 deficiency syndrome 1, autosomal recessive. Last evaluated: 2025-06-24. Review status: criteria provided, single submitter. Criteria: Invitae Variant Classification Sherloc (09022015). Collection method: clinical testing. Allele origin: germline.
Comment: This sequence change replaces isoleucine, which is neutral and non-polar, with valine, which is neutral and non-polar, at codon 435 of the SLC2A1 protein (p.Ile435Val). This variant is present in population databases (no rsID available, gnomAD 0.007%). This variant has not been reported in the literature in individuals affected with SLC2A1-related conditions. ClinVar contains an entry for this variant (Variation ID: 538673). Invitae Evidence Modeling incorporating data from in vitro experimental studies (internal data) did not meet the statistical confidence thresholds required to predict the impact of this variant on SLC2A1 function. In summary, the available evidence is currently insufficient to determine the role of this variant in disease. Therefore, it has been classified as a Variant of Uncertain Significance.

NM_006516.4(SLC2A1):c.1303A>G (p.Ile435Val)

Gene: SLC2A1 (solute carrier family 2 member 1; minus strand). Cytogenetic location: 1p34.2.
Variant type: single nucleotide variant.
Coding change: c.1303A>G on transcript NM_006516.4 (MANE Select); coding-DNA position 1303, A replaced by G.
Protein change: p.Ile435Val; replaces isoleucine 435 with valine.
Molecular consequence: missense variant.
Genome position (GRCh38, 1-based): chr1:42,927,217, T>C on the plus strand (A>G on the coding strand, the complement: SLC2A1 is on the minus strand). VCF-style: chr1-42927217-T-C. GRCh37 (hg19) VCF-style: chr1-43392888-T-C.
Other names: short protein forms I435V.
Identifiers: ClinVar variation 538673 (VCV000538673.12), dbSNP rs1407189135, ClinGen allele CA339953472.